The following is an entry in ClinVar:

NM_000245.4(MET):c.2500A>G (p.Ile834Val)

Gene: MET (MET proto-oncogene, receptor tyrosine kinase; plus strand). Cytogenetic location: 7q31.2.
Variant type: single nucleotide variant.
Coding change: c.2500A>G on transcript NM_000245.4 (MANE Select); coding-DNA position 2500, A replaced by G.
Protein change: p.Ile834Val; replaces isoleucine 834 with valine.
Molecular consequence: missense variant.
Genome position (GRCh38, 1-based): chr7:116,763,185, A>G. VCF-style: chr7-116763185-A-G. GRCh37 (hg19) VCF-style: chr7-116403239-A-G.
Other names: c.2554A>G, p.Ile852Val (NM_001127500.3); c.2500A>G, p.Ile834Val (NM_001324401.3); c.1210A>G, p.Ile404Val (NM_001324402.2); short protein forms I404V, I834V, I852V.
Identifiers: ClinVar variation 1317295 (VCV001317295.11), dbSNP rs2116956205, ClinGen allele CA368983437.

ClinVar aggregate classification (germline): Uncertain significance. Review status: criteria provided, multiple submitters, no conflicts (2 of 4 stars). 3 submissions from 3 submitters: Uncertain significance (3). Last evaluated 2023-05-22.

Conditions:
Renal cell carcinoma. Identifiers: Orphanet 217071, MedGen C0007134, MeSH D002292, MONDO:0005086, HP:0005584.
Hereditary cancer-predisposing syndrome. Also called: Hereditary neoplastic syndrome; Neoplastic Syndromes, Hereditary; Tumor predisposition; Hereditary Cancer Syndrome. Identifiers: Orphanet 140162, MedGen C0027672, MeSH D009386, MONDO:0015356.

gnomAD v4.1: 1 of 1,613,128 alleles (0.000062%); no homozygotes.

Submissions (3):

Labcorp Genetics (formerly Invitae), Labcorp
Classification: Uncertain significance for Renal cell carcinoma. Last evaluated: 2023-05-22. Review status: criteria provided, single submitter. Criteria: Invitae Variant Classification Sherloc (09022015). Collection method: clinical testing. Allele origin: germline.
Comment: In summary, the available evidence is currently insufficient to determine the role of this variant in disease. Therefore, it has been classified as a Variant of Uncertain Significance. An algorithm developed to predict the effect of missense changes on protein structure and function (PolyPhen-2) suggests that this variant is likely to be tolerated. ClinVar contains an entry for this variant (Variation ID: 1317295). This variant has not been reported in the literature in individuals affected with MET-related conditions. This variant is not present in population databases (gnomAD no frequency). This sequence change replaces isoleucine, which is neutral and non-polar, with valine, which is neutral and non-polar, at codon 852 of the MET protein (p.Ile852Val).

Ambry Genetics
Classification: Uncertain significance for Hereditary cancer-predisposing syndrome. Last evaluated: 2022-03-23. Review status: criteria provided, single submitter. Criteria: Ambry Variant Classification Scheme 2023. Collection method: clinical testing. Allele origin: germline.
Comment: The p.I852V variant (also known as c.2554A>G), located in coding exon 10 of the MET gene, results from an A to G substitution at nucleotide position 2554. The isoleucine at codon 852 is replaced by valine, an amino acid with highly similar properties. This amino acid position is not well conserved in available vertebrate species. In addition, this alteration is predicted to be tolerated by in silico analysis. Since supporting evidence is limited at this time, the clinical significance of this alteration remains unclear.

GeneDx
Classification: Uncertain significance. Last evaluated: 2020-09-08. Review status: criteria provided, single submitter. Criteria: GeneDx Variant Classification Process June 2021. Collection method: clinical testing. Allele origin: germline. Affected: yes.
Comment: Not observed in large population cohorts (Lek 2016); In silico analysis supports that this missense variant does not alter protein structure/function; Has not been previously published as pathogenic or benign to our knowledge